The following is an entry in ClinVar:

ClinVar aggregate classification (germline): Pathogenic/Likely pathogenic. Review status: criteria provided, multiple submitters, no conflicts (2 of 4 stars). 2 submissions from 2 submitters: Pathogenic (1); Likely pathogenic (1). Last evaluated 2025-12-17.

Conditions:
Hereditary cancer-predisposing syndrome. Also called: Neoplastic Syndromes, Hereditary; Tumor predisposition; Hereditary Cancer Syndrome; Hereditary neoplastic syndrome. Identifiers: Orphanet 140162, MedGen C0027672, MeSH D009386, MONDO:0015356.
Bloom syndrome (BLM). Also called: Bloom-Torre-Machacek syndrome. Identifiers: Orphanet 125, MedGen C0005859, MONDO:0008876, OMIM 210900.

Submissions (2):

Natera, Inc.
Classification: Likely pathogenic for Bloom syndrome. Last evaluated: 2025-12-17. Review status: criteria provided, single submitter. Criteria: Natera Variant Classification Schema (03/2026). Collection method: clinical testing. Allele origin: germline.
Comment: The c.3538_3539del variant in BLM is a frameshift variant predicted to shift the reading frame beginning at codon 1180 and leads to a stop codon 36 codons downstream. This variant is expected to result in nonsense mediated decay, truncation, or a dysfunctional protein product. This variant is rare in the general population with a frequency below the threshold expected for the associated phenotype(s). Given the available evidence, this variant is classified as Likely Pathogenic.

Ambry Genetics
Classification: Pathogenic for Hereditary cancer-predisposing syndrome. Last evaluated: 2017-12-08. Review status: criteria provided, single submitter. Criteria: Ambry Variant Classification Scheme 2023. Collection method: clinical testing. Allele origin: germline.
Comment: The c.3538_3539delGT pathogenic mutation, located in coding exon 17 of the BLM gene, results from a deletion of two nucleotides at nucleotide positions 3538 to 3539, causing a translational frameshift with a predicted alternate stop codon (p.V1180Tfs*36). This alteration is expected to result in loss of function by premature protein truncation or nonsense-mediated mRNA decay. As such, this alteration is interpreted as a disease-causing mutation.

NM_000057.4(BLM):c.3538_3539del (p.Val1180fs)

Gene: BLM (BLM RecQ like helicase; plus strand). Cytogenetic location: 15q26.1.
Variant type: Deletion.
Coding change: c.3538_3539del on transcript NM_000057.4 (MANE Select); coding-DNA positions 3538 to 3539, 2 bases deleted (GT; older notation c.3538_3539delGT).
Protein change: p.Val1180fs; shifts the reading frame from valine 1180.
Molecular consequence: frameshift variant. On other transcripts: intron variant (1).
Genome position (GRCh38, 1-based): chr15:90,803,700-90,803,701, GT deleted; deleting any 2 consecutive bases within chr15:90,803,699-90,803,701 gives the same sequence; the c. name uses the placement nearest the transcript's 3' end. VCF-style (leftmost placement, unchanged base first): chr15-90803698-CTG-C. GRCh37 (hg19) VCF-style: chr15-91346928-CTG-C.
Other names: c.3538_3539del (NM_000057.3); c.3538_3539del, p.Val1180fs (NM_001287246.2); c.2413_2414del, p.Val805fs (NM_001287248.2); c.3358+5363_3358+5364del (NM_001287247.2); short protein forms V1180fs, V805fs.
Identifiers: ClinVar variation 1732418 (VCV001732418.3), dbSNP rs2505547850, ClinGen allele CA2580090310.